The following is an entry in ClinVar:

ClinVar aggregate classification (germline): Conflicting classifications of pathogenicity. Review status: criteria provided, conflicting classifications (1 of 4 stars). 6 submissions from 6 submitters: Uncertain significance (2); Benign (1); Likely benign (3). Last evaluated 2025-03-26.

Conditions:
Hereditary cancer-predisposing syndrome. Also called: Tumor predisposition; Neoplastic Syndromes, Hereditary; Hereditary Cancer Syndrome; Hereditary neoplastic syndrome. Identifiers: Orphanet 140162, MedGen C0027672, MeSH D009386, MONDO:0015356.
Peutz-Jeghers syndrome (PJS). Also called: Peutz-Jeghers polyposis; Periorificial lentiginosis syndrome; POLYPOSIS, HAMARTOMATOUS INTESTINAL; POLYPS-AND-SPOTS SYNDROME. Identifiers: Orphanet 2869, MedGen C0031269, MeSH D010580, MONDO:0008280, OMIM 175200.

Allele frequency attached by ClinVar (database versions not stated): gnomAD exomes below 0.00001.
gnomAD v4.1: 2 of 1,603,740 alleles (0.00012%); highest among the groups gnomAD compares: African/African-American, 0.0013%; no homozygotes.

Submissions (6):

Myriad Genetics, Inc.
Classification: Benign for Peutz-Jeghers syndrome. Last evaluated: 2025-03-26. Review status: criteria provided, single submitter. Criteria: Myriad Autosomal Dominant, Autosomal Recessive and X-Linked Classification Criteria (2023). Collection method: clinical testing. Allele origin: unknown.
Comment: This variant is considered benign. This variant is a silent/synonymous amino acid change and it is not expected to impact splicing.

Quest Diagnostics Nichols Institute San Juan Capistrano
Classification: Uncertain significance. Last evaluated: 2024-06-06. Review status: criteria provided, single submitter. Criteria: Quest Diagnostics criteria. Collection method: clinical testing. Allele origin: unknown.
Comment: The STK11 c.489C>T (p.Gly163=) synonymous variant has not been reported in individuals with STK11-related conditions in the published literature. It also has not been reported in large, multi-ethnic general populations (Genome Aggregation Database). Analysis of this variant using software algorithms for the prediction of the effect of nucleotide changes on splicing yielded predictions that this variant does not affect STK11 mRNA splicing. Based on the available information, we are unable to determine the clinical significance of this variant.

Labcorp Genetics (formerly Invitae), Labcorp
Classification: Likely benign for Peutz-Jeghers syndrome. Last evaluated: 2023-11-27. Review status: criteria provided, single submitter. Criteria: Invitae Variant Classification Sherloc (09022015). Collection method: clinical testing. Allele origin: germline.

Genome-Nilou Lab
Classification: Uncertain significance for Peutz-Jeghers syndrome. Last evaluated: 2021-07-15. Review status: criteria provided, single submitter. Criteria: ACMG Guidelines, 2015. Collection method: clinical testing. Allele origin: germline. Affected: no.

Color Diagnostics, LLC DBA Color Health
Classification: Likely benign for Hereditary cancer-predisposing syndrome. Last evaluated: 2020-07-27. Review status: criteria provided, single submitter. Criteria: ACMG Guidelines, 2015. Collection method: clinical testing. Allele origin: germline.

Ambry Genetics
Classification: Likely benign for Hereditary cancer-predisposing syndrome. Last evaluated: 2016-03-22. Review status: criteria provided, single submitter. Criteria: Ambry Variant Classification Scheme 2023. Collection method: clinical testing. Allele origin: germline.

NM_000455.5(STK11):c.489C>T (p.Gly163=)

Gene: STK11 (serine/threonine kinase 11; plus strand). Cytogenetic location: 19p13.3.
Variant type: single nucleotide variant.
Coding change: c.489C>T on transcript NM_000455.5 (MANE Select); coding-DNA position 489, C replaced by T.
Protein change: p.Gly163=; no amino-acid change (glycine 163 retained).
Molecular consequence: synonymous variant.
Genome position (GRCh38, 1-based): chr19:1,220,397, C>T. VCF-style: chr19-1220397-C-T. GRCh37 (hg19) VCF-style: chr19-1220396-C-T.
Identifiers: ClinVar variation 403775 (VCV000403775.19), dbSNP rs1060499959, ClinGen allele CA16616017.